The following is an entry in ClinVar:

ClinVar aggregate classification (germline): Pathogenic (1 of 4 stars; one submission).

Conditions:
Breast-ovarian cancer, familial, susceptibility to, 2 (BROVCA2). Also called: BRCA2 Hereditary Breast and Ovarian Cancer. Identifiers: Orphanet 145, MedGen C2675520, MONDO:0012933, OMIM 612555. Disease mechanism: loss of function.

Submission:

Myriad Genetics, Inc.
Classification: Pathogenic for Breast-ovarian cancer, familial, susceptibility to, 2. Last evaluated: 2025-08-07. Review status: criteria provided, single submitter. Criteria: Myriad Autosomal Dominant, Autosomal Recessive and X-Linked Classification Criteria (2023). Collection method: clinical testing. Allele origin: unknown.
Comment: This variant is considered pathogenic. This variant occurs within a consensus splice junction and is predicted to result in abnormal mRNA splicing of either an out-of-frame exon or an in-frame exon necessary for protein stability and/or normal function. Functional studies indicate this variant impacts protein function [PMID: 14517958, 32398771]. This variant is strongly associated with more severe personal and family histories of cancer, typical for individuals with pathogenic variants in this gene [PMID: 25085752].

Literature cited by the submitters: PubMed 14517958; PubMed 32398771; PubMed 25085752.

NM_000059.4(BRCA2):c.67+1_67+2del

Gene: BRCA2 (BRCA2 DNA repair associated; plus strand). Cytogenetic location: 13q13.1.
Variant type: Deletion.
Coding change: c.67+1_67+2del on transcript NM_000059.4 (MANE Select); the canonical splice donor site of the intron after coding-DNA position 67, 2 bases deleted (GT; older notation c.67+1_67+2delGT).
Molecular consequence: splice donor variant. On other transcripts: intron variant (1).
Genome position (GRCh38, 1-based): chr13:32,316,528-32,316,529, GT deleted. VCF-style (leftmost placement, unchanged base first): chr13-32316527-GGT-G. GRCh37 (hg19) VCF-style: chr13-32890664-GGT-G.
Other names: c.67+1_67+2del (NM_001432077.1, NM_001406720.1, NM_001406719.1 and 1 more transcripts); c.-303+861_-303+862del (NM_001406722.1).
Identifiers: ClinVar variation 4294226 (VCV004294226.1).